The following is an entry in ClinVar:

NM_000038.6(APC):c.5956C>A (p.Pro1986Thr)

Gene: APC (APC regulator of Wnt signaling pathway; plus strand). Cytogenetic location: 5q22.2.
Variant type: single nucleotide variant.
Coding change: c.5956C>A on transcript NM_000038.6 (MANE Select); coding-DNA position 5956, C replaced by A.
Protein change: p.Pro1986Thr; replaces proline 1986 with threonine.
Molecular consequence: missense variant.
Genome position (GRCh38, 1-based): chr5:112,841,550, C>A. VCF-style: chr5-112841550-C-A. GRCh37 (hg19) VCF-style: chr5-112177247-C-A.
Other names: c.5956C>A, p.Pro1986Thr (NM_001127510.3, NM_001354895.2); c.5902C>A, p.Pro1968Thr (NM_001127511.3); c.6010C>A, p.Pro2004Thr (NM_001354896.2); c.5986C>A, p.Pro1996Thr (NM_001354897.2); c.5881C>A, p.Pro1961Thr (NM_001354898.2); c.5872C>A, p.Pro1958Thr (NM_001354899.2); c.5833C>A, p.Pro1945Thr (NM_001354900.2); c.5779C>A, p.Pro1927Thr (NM_001354901.2); and 5 more; short protein forms P1968T, P1986T, P1703T, P1860T, P1895T, P1945T, P1961T, P1826T.
Identifiers: ClinVar variation 230271 (VCV000230271.17), dbSNP rs745885287, ClinGen allele CA043489.
Genomic context (GRCh38, chr5:112,841,550, plus strand): 5'-AATTCCTCTCTGAGTTCTCTCAGTGACATTGACCAAGAAAACAACAATAAAGAAAATGAA[C>A]CTATCAAAGAGACTGAGCCCCCTGACTCACAGGGAGAACCAAGTAAACCTCAAGCATCAG-3'
Protein context (NP_000029.2, residues 1976-1996): DQENNNKENE[Pro1986Thr]IKETEPPDSQ

ClinVar aggregate classification (germline): Uncertain significance. Review status: criteria provided, multiple submitters, no conflicts (2 of 4 stars). 4 submissions from 4 submitters: Uncertain significance (4). Last evaluated 2024-07-25.

Conditions:
Classic or attenuated familial adenomatous polyposis. Identifiers: MedGen CN372698, MONDO:0021057.
Hereditary cancer-predisposing syndrome. Also called: Hereditary neoplastic syndrome; Hereditary Cancer Syndrome; Neoplastic Syndromes, Hereditary; Tumor predisposition. Identifiers: Orphanet 140162, MedGen C0027672, MeSH D009386, MONDO:0015356.
Familial adenomatous polyposis 1 (FAP1). Also called: FAMILIAL ADENOMATOUS POLYPOSIS 1, ATTENUATED; POLYPOSIS, ADENOMATOUS INTESTINAL. Identifiers: MedGen C2713442, MONDO:0021056, OMIM 175100. Disease mechanism: loss of function.

Allele frequency attached by ClinVar (database versions not stated): gnomAD exomes below 0.00001; ExAC 0.00001.
gnomAD v4.1: 3 of 1,613,938 alleles (0.00019%); highest among the groups gnomAD compares: Non-Finnish European, 0.00025%; no homozygotes.

Submissions (4):

Labcorp Genetics (formerly Invitae), Labcorp
Classification: Uncertain significance for Familial adenomatous polyposis 1. Last evaluated: 2024-07-25. Review status: criteria provided, single submitter. Criteria: Invitae Variant Classification Sherloc (09022015). Collection method: clinical testing. Allele origin: germline.
Comment: This sequence change replaces proline, which is neutral and non-polar, with threonine, which is neutral and polar, at codon 1986 of the APC protein (p.Pro1986Thr). This variant is present in population databases (rs745885287, gnomAD 0.0009%). This variant has not been reported in the literature in individuals affected with APC-related conditions. ClinVar contains an entry for this variant (Variation ID: 230271). Advanced modeling of protein sequence and biophysical properties (such as structural, functional, and spatial information, amino acid conservation, physicochemical variation, residue mobility, and thermodynamic stability) performed at Invitae indicates that this missense variant is not expected to disrupt APC protein function with a negative predictive value of 95%. In summary, the available evidence is currently insufficient to determine the role of this variant in disease. Therefore, it has been classified as a Variant of Uncertain Significance.

Ambry Genetics
Classification: Uncertain significance for Hereditary cancer-predisposing syndrome. Last evaluated: 2024-02-28. Review status: criteria provided, single submitter. Criteria: Ambry Variant Classification Scheme 2023. Collection method: clinical testing. Allele origin: germline.
Comment: The p.P1986T variant (also known as c.5956C>A), located in coding exon 15 of the APC gene, results from a C to A substitution at nucleotide position 5956. The proline at codon 1986 is replaced by threonine, an amino acid with highly similar properties. This amino acid position is highly conserved in available vertebrate species. In addition, in silico predictors for this gene do not accurately predict pathogenicity. Since supporting evidence is limited at this time, the clinical significance of this alteration remains unclear.

All of Us Research Program, National Institutes of Health
Classification: Uncertain significance for Classic or attenuated familial adenomatous polyposis. Last evaluated: 2023-04-03. Review status: criteria provided, single submitter. Criteria: ACMG Guidelines, 2015. Collection method: clinical testing. Allele origin: germline. Inheritance: Autosomal dominant inheritance. Observed: 1 variant allele, 1 heterozygote.
Comment: This missense variant replaces proline with threonine at codon 1986 of the APC protein. Computational prediction suggests that this variant may not impact protein structure and function (internally defined REVEL score threshold <= 0.5, PMID: 27666373). To our knowledge, functional studies have not been reported for this variant. This variant has not been reported in individuals affected with APC-related disorders in the literature. This variant has been identified in 1/250364 chromosomes in the general population by the Genome Aggregation Database (gnomAD). The available evidence is insufficient to determine the role of this variant in disease conclusively. Therefore, this variant is classified as a Variant of Uncertain Significance.

This study involves interpretation of variants in research participants for the purpose of population health screening. Participant phenotype was not available at the time of variant classification. Additional details can be found in publication PMID: 35346344, PMCID: PMC8962531

GeneDx
Classification: Uncertain significance. Last evaluated: 2020-10-20. Review status: criteria provided, single submitter. Criteria: GeneDx Variant Classification Process June 2021. Collection method: clinical testing. Allele origin: germline. Affected: yes.
Comment: Not observed at a significant frequency in large population cohorts (Lek et al., 2016); In silico analysis supports that this missense variant does not alter protein structure/function; Has not been previously published as pathogenic or benign to our knowledge